The following is an entry in ClinVar:

ClinVar aggregate classification (germline): Uncertain significance. Review status: criteria provided, multiple submitters, no conflicts (2 of 4 stars). 2 submissions from 2 submitters: Uncertain significance (2). Last evaluated 2024-08-28.

Conditions:
Inborn genetic diseases. Identifiers: MedGen C0950123, MeSH D030342.

Allele frequency attached by ClinVar (database versions not stated): ExAC 0.00001; gnomAD exomes 0.00001.
gnomAD v4.1: 8 of 1,613,692 alleles (0.0005%); highest among the groups gnomAD compares: Admixed American, 0.0033%; no homozygotes.

Submissions (2):

Ambry Genetics
Classification: Uncertain significance for Inborn genetic diseases. Last evaluated: 2024-08-28. Review status: criteria provided, single submitter. Criteria: Ambry Variant Classification Scheme 2023. Collection method: clinical testing. Allele origin: germline.

Labcorp Genetics (formerly Invitae), Labcorp
Classification: Uncertain significance. Last evaluated: 2023-10-28. Review status: criteria provided, single submitter. Criteria: Invitae Variant Classification Sherloc (09022015). Collection method: clinical testing. Allele origin: germline.
Comment: This sequence change replaces methionine, which is neutral and non-polar, with valine, which is neutral and non-polar, at codon 2176 of the ATR protein (p.Met2176Val). This variant is present in population databases (rs749889023, gnomAD 0.006%). This variant has not been reported in the literature in individuals affected with ATR-related conditions. ClinVar contains an entry for this variant (Variation ID: 1754048). An algorithm developed to predict the effect of missense changes on protein structure and function (PolyPhen-2) suggests that this variant is likely to be disruptive. In summary, the available evidence is currently insufficient to determine the role of this variant in disease. Therefore, it has been classified as a Variant of Uncertain Significance.

NM_001184.4(ATR):c.6526A>G (p.Met2176Val)

Gene: ATR (ATR checkpoint kinase; minus strand). Cytogenetic location: 3q23.
Variant type: single nucleotide variant.
Coding change: c.6526A>G on transcript NM_001184.4 (MANE Select); coding-DNA position 6526, A replaced by G.
Protein change: p.Met2176Val; replaces methionine 2176 with valine.
Molecular consequence: missense variant.
Genome position (GRCh38, 1-based): chr3:142,469,363, T>C on the plus strand (A>G on the coding strand, the complement: ATR is on the minus strand). VCF-style: chr3-142469363-T-C. GRCh37 (hg19) VCF-style: chr3-142188205-T-C.
Other names: c.6334A>G, p.Met2112Val (NM_001354579.2); short protein forms M2176V, M2112V.
Identifiers: ClinVar variation 1754048 (VCV001754048.6), dbSNP rs749889023, ClinGen allele CA2649329.